The following is an entry in ClinVar:

NM_206933.4(USH2A):c.4922G>A (p.Gly1641Glu)

Genes: USH2A (usherin; minus strand), USH2A-AS2 (USH2A antisense RNA 2; plus strand). Cytogenetic location: 1q41.
Variant type: single nucleotide variant.
Coding change: c.4922G>A on transcript NM_206933.4 (MANE Select); coding-DNA position 4922, G replaced by A.
Protein change: p.Gly1641Glu; replaces glycine 1641 with glutamic acid.
Molecular consequence: missense variant. On other transcripts: non-coding transcript variant (2).
Genome position (GRCh38, 1-based): chr1:216,086,784, C>T on the plus strand (G>A on the coding strand, the complement: USH2A is on the minus strand). VCF-style: chr1-216086784-C-T. GRCh37 (hg19) VCF-style: chr1-216260126-C-T.
Other names: short protein forms G1641E.
Identifiers: ClinVar variation 1474652 (VCV001474652.5), dbSNP rs2102563222, ClinGen allele CA344859887.

ClinVar aggregate classification (germline): Uncertain significance (1 of 4 stars; one submission).

Submission:

Labcorp Genetics (formerly Invitae), Labcorp
Classification: Uncertain significance. Last evaluated: 2022-08-23. Review status: criteria provided, single submitter. Criteria: Invitae Variant Classification Sherloc (09022015). Collection method: clinical testing. Allele origin: germline.
Comment: This sequence change replaces glycine, which is neutral and non-polar, with glutamic acid, which is acidic and polar, at codon 1641 of the USH2A protein (p.Gly1641Glu). This variant is not present in population databases (gnomAD no frequency). This variant has not been reported in the literature in individuals affected with USH2A-related conditions. ClinVar contains an entry for this variant (Variation ID: 1474652). Algorithms developed to predict the effect of missense changes on protein structure and function (SIFT, PolyPhen-2, Align-GVGD) all suggest that this variant is likely to be disruptive. In summary, the available evidence is currently insufficient to determine the role of this variant in disease. Therefore, it has been classified as a Variant of Uncertain Significance.